The following is an entry in ClinVar:

NM_153033.5(KCTD7):c.-116C>T

Genes: KCTD7 (potassium channel tetramerization domain containing 7; plus strand), LOC129998533 (ATAC-STARR-seq lymphoblastoid silent region 18210; plus strand). Cytogenetic location: 7q11.21.
Variant type: single nucleotide variant.
Coding change: c.-116C>T on transcript NM_153033.5 (MANE Select); 116 bases upstream of the start codon, C replaced by T.
Molecular consequence: 5 prime UTR variant.
Genome position (GRCh38, 1-based): chr7:66,628,949, C>T. VCF-style: chr7-66628949-C-T. GRCh37 (hg19) VCF-style: chr7-66093936-C-T.
Other names: c.-116C>T (NM_001167961.2).
Identifiers: ClinVar variation 676036 (VCV000676036.5), dbSNP rs551906037, ClinGen allele CA160219177.
Genomic context (GRCh38, chr7:66,628,949, plus strand): 5'-GCGAGCGGGTCGGCGTTGAGGGAGCCACCGCCCTCCCGCCTGCGCACTGCCTCTCGCCCC[C>T]CTCCGGCCAGCCCGCAGCCGGCCGCGTCATGCCAGGCGCTGCTCGGCGGTAGGGAGTGCC-3'

ClinVar aggregate classification (germline): Benign/Likely benign. Review status: criteria provided, multiple submitters, no conflicts (2 of 4 stars). 2 submissions from 2 submitters: Benign (1); Likely benign (1). Last evaluated 2018-06-14.

Conditions:
Progressive myoclonic epilepsy type 3. Also called: KCTD7-Related Progressive Myoclonic Epilepsy; EPILEPSY, PROGRESSIVE MYOCLONIC, 3, WITH OR WITHOUT INTRACELLULAR INCLUSIONS; CEROID LIPOFUSCINOSIS, NEURONAL, 14; EPILEPSY, PROGRESSIVE MYOCLONIC, 3, WITHOUT INTRACELLULAR INCLUSIONS. Identifiers: Orphanet 263516, MedGen C2673257, MONDO:0012721, OMIM 611726.

Allele frequency attached by ClinVar (database versions not stated): 1000 Genomes Project 0.00439; TOPMed 0.00657; 1000 Genomes Project 30x 0.00687.

Submissions (2):

GeneDx
Classification: Likely benign. Last evaluated: 2018-06-14. Review status: criteria provided, single submitter. Criteria: GeneDx Variant Classification (06012015). Collection method: clinical testing. Allele origin: germline. Affected: yes.
Comment: This variant is considered likely benign or benign based on one or more of the following criteria: it is a conservative change, it occurs at a poorly conserved position in the protein, it is predicted to be benign by multiple in silico algorithms, and/or has population frequency not consistent with disease.

Illumina Laboratory Services, Illumina
Classification: Benign for Progressive myoclonic epilepsy type 3. Last evaluated: 2018-01-13. Review status: criteria provided, single submitter. Criteria: ICSL Variant Classification Criteria 13 December 2019. Collection method: clinical testing. Allele origin: germline.
Comment: This variant was observed in the ICSL laboratory as part of a predisposition screen in an ostensibly healthy population. It had not been previously curated by ICSL or reported in the Human Gene Mutation Database (HGMD: prior to June 1st, 2018), and was therefore a candidate for classification through an automated scoring system. Utilizing variant allele frequency, disease prevalence and penetrance estimates, and inheritance mode, an automated score was calculated to assess if this variant is too frequent to cause the disease. Based on the score and internal cut-off values, a variant classified as benign is not then subjected to further curation. The score for this variant resulted in a classification of benign for this disease.